The following is an entry in ClinVar:

ClinVar aggregate classification (germline): Pathogenic. Review status: criteria provided, multiple submitters, no conflicts (2 of 4 stars). 4 submissions from 4 submitters: Pathogenic (4). Last evaluated 2025-09-02.

Conditions:
CLCN1-related disorder. Also called: CLCN1-related condition.
Congenital myotonia, autosomal dominant form (THD). Also called: THOMSEN DISEASE; Myotonia congenita autosomal dominant. Identifiers: Orphanet 614, MedGen C2936781, MONDO:0008055, OMIM 160800.
Congenital myotonia, autosomal recessive form. Also called: Becker Generalized Myotonia; myotonia congenita, autosomal recessive; BECKER DISEASE. Identifiers: Orphanet 614, MedGen C0751360, MONDO:0009715, OMIM 255700.

Submissions (4):

Labcorp Genetics (formerly Invitae), Labcorp
Classification: Pathogenic for Congenital myotonia, autosomal recessive form; Congenital myotonia, autosomal dominant form. Last evaluated: 2025-09-02. Review status: criteria provided, single submitter. Criteria: Invitae Variant Classification Sherloc (09022015). Collection method: clinical testing. Allele origin: germline.
Comment: This sequence change creates a premature translational stop signal (p.Arg300*) in the CLCN1 gene. It is expected to result in an absent or disrupted protein product. Loss-of-function variants in CLCN1 are known to be pathogenic (PMID: 17932099, 22094069, 23739125). This variant is present in population databases (no rsID available, gnomAD 0.002%). This premature translational stop signal has been observed in individual(s) with autosomal recessive myotonia congenita (PMID: 7874130). ClinVar contains an entry for this variant (Variation ID: 447074). For these reasons, this variant has been classified as Pathogenic.

Blueprint Genetics
Classification: Pathogenic for CLCN1-related disorders. Last evaluated: 2024-09-26. Review status: criteria provided, single submitter. Criteria: ACMG Guidelines, 2015. Collection method: clinical testing. Allele origin: germline. Affected: yes. Observed: 2 variant alleles.

GeneDx
Classification: Pathogenic. Last evaluated: 2021-03-29. Review status: criteria provided, single submitter. Criteria: GeneDx Variant Classification Process June 2021. Collection method: clinical testing. Allele origin: germline. Affected: yes.
Comment: Previously reported in two siblings with a classic Becker phenotype (myotonia congenita) who also harbored a second CLCN1 variant, however phase was not conclusively determined (Dupre et al., 2009); Nonsense variant predicted to result in protein truncation or nonsense mediated decay in a gene for which loss-of-function is a known mechanism of disease; Not observed in large population cohorts (gnomAD); This variant is associated with the following publications: (PMID: 7874130, 18337100, 8533761)

Athena Diagnostics
Classification: Pathogenic. Last evaluated: 2015-10-14. Review status: criteria provided, single submitter. Criteria: Athena Diagnostics Criteria. Collection method: clinical testing. Allele origin: germline.

Literature cited by the submitters: PubMed 17932099 (cited by Labcorp Genetics (formerly Invitae), Labcorp); PubMed 22094069 (cited by Labcorp Genetics (formerly Invitae), Labcorp); PubMed 23739125 (cited by Labcorp Genetics (formerly Invitae), Labcorp); PubMed 7874130 (cited by Labcorp Genetics (formerly Invitae), Labcorp and Athena Diagnostics); PubMed 18337100 (cited by Athena Diagnostics); PubMed 8533761 (cited by Athena Diagnostics).

NM_000083.3(CLCN1):c.898_899delinsTA (p.Arg300Ter)

Gene: CLCN1 (chloride voltage-gated channel 1; plus strand). Cytogenetic location: 7q34.
Variant type: Indel.
Coding change: c.898_899delinsTA on transcript NM_000083.3 (MANE Select); coding-DNA positions 898 to 899, CG replaced by TA.
Protein change: p.Arg300Ter; replaces arginine 300 with a stop codon.
Molecular consequence: nonsense. On other transcripts: non-coding transcript variant (1).
Genome position (GRCh38, 1-based): chr7:143,330,816-143,330,817, CG replaced by TA. VCF-style: chr7-143330816-CG-TA. GRCh37 (hg19) VCF-style: chr7-143027909-CG-TA.
Other names: short protein forms R300*.
Identifiers: ClinVar variation 447074 (VCV000447074.12), dbSNP rs1554436419, ClinGen allele CA658657736.
Genomic context (GRCh38, chr7:143,330,816, plus strand): 5'-TTCTGTGCCCCTGCAGGAGTGCTATTTAGCATCGAGGTCACCTCCACCTACTTTGCTGTT[CG>TA]GAACTACTGGAGAGGATTCTTTGCAGCCACGTTCAGCGCCTTTGTGTTTCGAGTGCTGGC-3'